The following is an entry in ClinVar:

ClinVar aggregate classification (germline): Conflicting classifications of pathogenicity. Review status: criteria provided, conflicting classifications (1 of 4 stars). 7 submissions from 7 submitters: Uncertain significance (5); Likely benign (1). 1 of the submissions does not count toward it. Last evaluated 2025-11-04.

Conditions:
DICER1-related tumor predisposition. Also called: DICER1-related pleuropulmonary blastoma cancer predisposition syndrome; DICER1 syndrome. Identifiers: Orphanet 284343, MedGen C3839822, MONDO:0100216.
DICER1-related disorder. Also called: DICER1-related condition.
Global developmental delay - lung cysts - overgrowth - Wilms tumor syndrome. Also called: GLOBAL DEVELOPMENTAL DELAY, LUNG CYSTS, OVERGROWTH, AND WILMS TUMOR; GLOW Syndrome. Identifiers: Orphanet 404476, MedGen C4748924, MONDO:0018445, OMIM 618272.
Hereditary cancer-predisposing syndrome. Also called: Hereditary neoplastic syndrome; Neoplastic Syndromes, Hereditary; Tumor predisposition; Hereditary Cancer Syndrome. Identifiers: Orphanet 140162, MedGen C0027672, MeSH D009386, MONDO:0015356.

Allele frequency attached by ClinVar (database versions not stated): gnomAD exomes 0.00001 and 0.00002; ExAC 0.00002; gnomAD 0.00010 and 0.00011; TOPMed 0.00010; ESP Exome Variant Server 0.00023.
gnomAD v4.1: 24 of 1,614,090 alleles (0.0015%); highest among the groups gnomAD compares: African/African-American, 0.032%; no homozygotes.

Submissions (7):

Labcorp Genetics (formerly Invitae), Labcorp
Classification: Likely benign for DICER1-related tumor predisposition. Last evaluated: 2025-11-04. Review status: criteria provided, single submitter. Criteria: Invitae Variant Classification Sherloc (09022015). Collection method: clinical testing. Allele origin: germline.

Ambry Genetics
Classification: Uncertain significance for Hereditary cancer-predisposing syndrome. Last evaluated: 2025-08-30. Review status: criteria provided, single submitter. Criteria: Ambry Variant Classification Scheme 2023. Collection method: clinical testing. Allele origin: germline.

GeneDx
Classification: Uncertain significance. Last evaluated: 2023-10-25. Review status: criteria provided, single submitter. Criteria: GeneDx Variant Classification Process June 2021. Collection method: clinical testing. Allele origin: germline. Affected: yes.
Comment: In silico analysis supports that this missense variant does not alter protein structure/function; Has not been previously published as pathogenic or benign to our knowledge

Baylor Genetics
Classification: Uncertain significance for Global developmental delay - lung cysts - overgrowth - Wilms tumor syndrome. Last evaluated: 2023-09-21. Review status: criteria provided, single submitter. Criteria: ACMG Guidelines, 2015. Collection method: clinical testing. Allele origin: unknown.

Sema4
Classification: Uncertain significance for Hereditary cancer-predisposing syndrome. Last evaluated: 2021-08-09. Review status: criteria provided, single submitter. Criteria: Sema4 Curation Guidelines. Collection method: curation. Allele origin: germline.
Comment: The DICER c.4870G>C (p.A1624P) variant has not been reported in the literature to our knowledge. It was observed in 5/24970 chromosomes of the African/African American subpopulation, with no homozygotes, in the large and broad cohorts of the Genome Aggregation Database (PMID: 32461654).The variant has been reported in ClinVar (Variation ID 483414). In silico tools suggest the impact of the variant on protein function is benign, though these predictions have not been confirmed by functional studies. The evidence is insufficient to meet ACMG/AMP criteria for classifying the variant as benign or pathogenic. Thus, the clinical significance of this variant is currently uncertain.

St. Jude Molecular Pathology, St. Jude Children's Research Hospital
Classification: Uncertain significance for DICER1-related tumor predisposition. Last evaluated: 2020-09-16. Review status: criteria provided, single submitter. Criteria: St. Jude Assertion Criteria 2020. Collection method: clinical testing. Allele origin: germline.

PreventionGenetics, part of Exact Sciences
Classification: Uncertain significance for DICER1-related condition. Last evaluated: 2024-03-20. Review status: no assertion criteria provided. Collection method: clinical testing. Allele origin: germline. Not counted in ClinVar's aggregate classification.
Comment: The DICER1 c.4870G>C variant is predicted to result in the amino acid substitution p.Ala1624Pro. To our knowledge, this variant has not been reported in the literature. This variant is reported in 0.020% of alleles in individuals of African descent in gnomAD. This variant is interpreted as a variant of uncertain significance or likely benign in ClinVar. At this time, the clinical significance of this variant is uncertain due to the absence of conclusive functional and genetic evidence.

NM_177438.3(DICER1):c.4870G>C (p.Ala1624Pro)

Gene: DICER1 (dicer 1, ribonuclease III; minus strand). Cytogenetic location: 14q32.13.
Variant type: single nucleotide variant.
Coding change: c.4870G>C on transcript NM_177438.3 (MANE Select); coding-DNA position 4870, G replaced by C.
Protein change: p.Ala1624Pro; replaces alanine 1624 with proline.
Molecular consequence: missense variant.
Genome position (GRCh38, 1-based): chr14:95,096,050, C>G on the plus strand (G>C on the coding strand, the complement: DICER1 is on the minus strand). VCF-style: chr14-95096050-C-G. GRCh37 (hg19) VCF-style: chr14-95562387-C-G.
Other names: c.4870G>C, p.Ala1624Pro (NM_001195573.1, NM_001271282.3, NM_001291628.2 and 1 more transcripts); short protein forms A1624P.
Identifiers: ClinVar variation 483414 (VCV000483414.22), dbSNP rs372967646, ClinGen allele CA7330783.